The following is an entry in ClinVar:

ClinVar aggregate classification (germline): Likely pathogenic (1 of 4 stars; one submission).

Conditions:
Autosomal recessive nonsyndromic hearing loss 3. Also called: NEUROSENSORY NONSYNDROMIC RECESSIVE DEAFNESS 3. Identifiers: Orphanet 90636, MedGen C1838263, MONDO:0010860, OMIM 600316.

gnomAD v4.1: 1 of 1,612,768 alleles (0.000062%); highest among the groups gnomAD compares: Non-Finnish European, 0.000085%; no homozygotes.

Submission:

Juno Genomics, Hangzhou Juno Genomics, Inc
Classification: Likely pathogenic for Autosomal recessive nonsyndromic hearing loss 3. Review status: criteria provided, single submitter. Criteria: ACMG Guidelines, 2015. Collection method: clinical testing. Allele origin: germline.
Comment: Null variant in a gene where loss of function (LOF) is a known mechanism of disease.;Absent from controls (or at extremely low frequency if recessive) in Genome Aggregation Database.

NM_016239.4(MYO15A):c.9946C>T (p.Gln3316Ter)

Gene: MYO15A (myosin XVA; plus strand). Cytogenetic location: 17p11.2.
Variant type: single nucleotide variant.
Coding change: c.9946C>T on transcript NM_016239.4 (MANE Select); coding-DNA position 9946, C replaced by T.
Protein change: p.Gln3316Ter; replaces glutamine 3316 with a stop codon.
Molecular consequence: nonsense.
Genome position (GRCh38, 1-based): chr17:18,166,519, C>T. VCF-style: chr17-18166519-C-T. GRCh37 (hg19) VCF-style: chr17-18069833-C-T.
Other names: short protein forms Q3316*.
Identifiers: ClinVar variation 5005717 (VCV005005717.2).